The following is an entry in ClinVar:

ClinVar aggregate classification (germline): Uncertain significance (1 of 4 stars; one submission).

Conditions:
Wilson disease (WND). Also called: Wilson's disease. Identifiers: Orphanet 905, MedGen C0019202, MONDO:0010200, OMIM 277900. Disease mechanism: loss of function.

Allele frequency attached by ClinVar (database versions not stated): TOPMed below 0.00001; gnomAD exomes 0.00001.

Submission:

Labcorp Genetics (formerly Invitae), Labcorp
Classification: Uncertain significance for Wilson disease. Last evaluated: 2022-06-08. Review status: criteria provided, single submitter. Criteria: Invitae Variant Classification Sherloc (09022015). Collection method: clinical testing. Allele origin: germline.
Comment: This sequence change replaces phenylalanine, which is neutral and non-polar, with leucine, which is neutral and non-polar, at codon 714 of the ATP7B protein (p.Phe714Leu). This variant is not present in population databases (gnomAD no frequency). This variant has not been reported in the literature in individuals affected with ATP7B-related conditions. Advanced modeling of protein sequence and biophysical properties (such as structural, functional, and spatial information, amino acid conservation, physicochemical variation, residue mobility, and thermodynamic stability) performed at Invitae indicates that this missense variant is expected to disrupt ATP7B protein function. In summary, the available evidence is currently insufficient to determine the role of this variant in disease. Therefore, it has been classified as a Variant of Uncertain Significance.

NM_000053.4(ATP7B):c.2140T>C (p.Phe714Leu)

Gene: ATP7B (ATPase copper transporting beta; minus strand). Cytogenetic location: 13q14.3.
Variant type: single nucleotide variant.
Coding change: c.2140T>C on transcript NM_000053.4 (MANE Select); coding-DNA position 2140, T replaced by C.
Protein change: p.Phe714Leu; replaces phenylalanine 714 with leucine.
Molecular consequence: missense variant. On other transcripts: intron variant (2).
Genome position (GRCh38, 1-based): chr13:51,958,526, A>G on the plus strand (T>C on the coding strand, the complement: ATP7B is on the minus strand). VCF-style: chr13-51958526-A-G. GRCh37 (hg19) VCF-style: chr13-52532662-A-G.
Other names: c.1807T>C, p.Phe603Leu (NM_001243182.2); c.1888T>C, p.Phe630Leu (NM_001330579.2); c.1870-919T>C (NM_001005918.3); c.2122-919T>C (NM_001330578.2); short protein forms F714L, F603L, F630L.
Identifiers: ClinVar variation 1502164 (VCV001502164.5), dbSNP rs1372799442, ClinGen allele CA388023361.
Genomic context (GRCh38, chr13:51,958,526, plus strand): 5'-CGATGAGCACGTCCATGTTGGCTGACCTGTGTCTCAGAGATTTGTAGGCCTGAACGTAGA[A>G]GTACCACCCACCGAGGAGCTGAAAGACAAGGACAGTGAAGGCTGCCAGCAAGTAGGGAGG-3'
Protein context (NP_000044.2, residues 704-724): TFVQLLGGWY[Phe714Leu]YVQAYKSLRH